The following is an entry in ClinVar:

ClinVar aggregate classification (germline): Likely pathogenic (1 of 4 stars; one submission).

Conditions:
Familial adenomatous polyposis 2. Also called: MUTYH Polyposis; Adenomas, multiple colorectal; MUTYH-related attenuated familial adenomatous polyposis; MUTYH-associated polyposis; COLORECTAL ADENOMATOUS POLYPOSIS, AUTOSOMAL RECESSIVE; ADENOMAS, MULTIPLE COLORECTAL, AUTOSOMAL RECESSIVE. Identifiers: Orphanet 220460, Orphanet 247798, MedGen C3272841, MONDO:0012041, OMIM 608456.

Submission:

Juno Genomics, Hangzhou Juno Genomics, Inc
Classification: Likely pathogenic for Familial adenomatous polyposis 2. Review status: criteria provided, single submitter. Criteria: ACMG Guidelines, 2015. Collection method: clinical testing. Allele origin: germline.
Comment: Absent from controls (or at extremely low frequency if recessive) in Genome Aggregation Database.;Null variant in a gene where loss of function (LOF) is a known mechanism of disease.

NM_001048174.2(MUTYH):c.993del (p.Arg332fs)

Gene: MUTYH (mutY DNA glycosylase; minus strand). Cytogenetic location: 1p34.1.
Variant type: Deletion.
Coding change: c.993del on transcript NM_001048174.2 (MANE Select); coding-DNA position 993, one base deleted (C; older notation c.993delC).
Protein change: p.Arg332fs; shifts the reading frame from arginine 332.
Molecular consequence: frameshift variant. On other transcripts: non-coding transcript variant (7).
Genome position (GRCh38, 1-based): chr1:45,331,770, G deleted on the plus strand (C on the coding strand, the reverse complement: MUTYH is on the minus strand); the first of 4 consecutive G bases (chr1:45,331,770-45,331,773); deleting any one gives the same sequence. VCF-style (leftmost placement, unchanged base first): chr1-45331769-TG-T. GRCh37 (hg19) VCF-style: chr1-45797441-TG-T.
Other names: c.993del, p.Arg332fs (NM_001048171.2, NM_001048173.2, NM_001293195.2 and 6 more transcripts); c.996del, p.Arg333fs (NM_001048172.2, NM_001407071.1, NM_001407078.1 and 1 more transcripts); c.1077del, p.Arg360fs (NM_001128425.2); c.1038del, p.Arg347fs (NM_001293190.2); c.1026del, p.Arg343fs (NM_001293191.2, NM_001407069.1, NM_001407077.1); c.717del, p.Arg240fs (NM_001293192.2, NM_001293196.2, NM_001407091.1); c.648del, p.Arg217fs (NM_001350650.2, NM_001350651.2, NM_001407082.1); c.909del, p.Arg304fs (NM_001407075.1); and 5 more; short protein forms R217fs, R240fs, R304fs, R318fs, R319fs, R332fs, R333fs, R339fs.
Identifiers: ClinVar variation 5019106 (VCV005019106.2).